The following is an entry in ClinVar:

NM_004415.4(DSP):c.5538A>C (p.Glu1846Asp)

Gene: DSP (desmoplakin; plus strand). Cytogenetic location: 6p24.3.
Variant type: single nucleotide variant.
Coding change: c.5538A>C on transcript NM_004415.4 (MANE Select); coding-DNA position 5538, A replaced by C.
Protein change: p.Glu1846Asp; replaces glutamic acid 1846 with aspartic acid.
Molecular consequence: missense variant.
Genome position (GRCh38, 1-based): chr6:7,582,800, A>C. VCF-style: chr6-7582800-A-C. GRCh37 (hg19) VCF-style: chr6-7583033-A-C.
Other names: c.3741A>C, p.Glu1247Asp (NM_001008844.3); c.4209A>C, p.Glu1403Asp (NM_001319034.2); short protein forms E1247D, E1403D, E1846D.
Identifiers: ClinVar variation 1720872 (VCV001720872.6), dbSNP rs2113698073, ClinGen allele CA362688843.

ClinVar aggregate classification (germline): Uncertain significance (1 of 4 stars; one submission).

Conditions:
Arrhythmogenic cardiomyopathy with wooly hair and keratoderma. Also called: Carvajal syndrome; Dilated cardiomyopathy with woolly hair and keratoderma; Arrhythmogenic cardiomyopathy with woolly hair and keratoderma; PALMOPLANTAR KERATODERMA WITH LEFT VENTRICULAR CARDIOMYOPATHY AND WOOLLY HAIR. Identifiers: Orphanet 65282, MedGen C1854063, MONDO:0011581, OMIM 605676.
Arrhythmogenic right ventricular dysplasia 8 (ARVD8). Also called: ARRHYTHMOGENIC RIGHT VENTRICULAR DYSPLASIA, FAMILIAL, 8; ARRHYTHMOGENIC RIGHT VENTRICULAR CARDIOMYOPATHY 8; Arrhythmogenic Right Ventricular Dysplasia/Cardiomyopathy 8. Identifiers: MedGen C1843896, MONDO:0011831, OMIM 607450.

Submission:

Labcorp Genetics (formerly Invitae), Labcorp
Classification: Uncertain significance for Arrhythmogenic cardiomyopathy with wooly hair and keratoderma; Arrhythmogenic right ventricular dysplasia 8. Last evaluated: 2022-10-05. Review status: criteria provided, single submitter. Criteria: Invitae Variant Classification Sherloc (09022015). Collection method: clinical testing. Allele origin: germline.
Comment: In summary, the available evidence is currently insufficient to determine the role of this variant in disease. Therefore, it has been classified as a Variant of Uncertain Significance. Algorithms developed to predict the effect of missense changes on protein structure and function (SIFT, PolyPhen-2, Align-GVGD) all suggest that this variant is likely to be disruptive. This variant has not been reported in the literature in individuals affected with DSP-related conditions. This variant is not present in population databases (gnomAD no frequency). This sequence change replaces glutamic acid, which is acidic and polar, with aspartic acid, which is acidic and polar, at codon 1846 of the DSP protein (p.Glu1846Asp).